The following is an entry in ClinVar:

ClinVar aggregate classification (germline): Uncertain significance. Review status: criteria provided, multiple submitters, no conflicts (2 of 4 stars). 2 submissions from 2 submitters: Uncertain significance (2). Last evaluated 2025-07-18.

Conditions:
Chédiak-Higashi syndrome (CHS). Also called: Chediak-Higashi Syndrome. Identifiers: Orphanet 167, MedGen C0007965, MONDO:0008963, OMIM 214500.

Allele frequency attached by ClinVar (database versions not stated): gnomAD exomes below 0.00001; TOPMed below 0.00001; gnomAD 0.00001.
gnomAD v4.1: 6 of 1,613,962 alleles (0.00037%); highest among the groups gnomAD compares: Non-Finnish European, 0.00051%; no homozygotes.

Submissions (2):

Labcorp Genetics (formerly Invitae), Labcorp
Classification: Uncertain significance for Chédiak-Higashi syndrome. Last evaluated: 2025-07-18. Review status: criteria provided, single submitter. Criteria: Invitae Variant Classification Sherloc (09022015). Collection method: clinical testing. Allele origin: germline.
Comment: This sequence change replaces arginine, which is basic and polar, with glycine, which is neutral and non-polar, at codon 1430 of the LYST protein (p.Arg1430Gly). This variant is present in population databases (no rsID available, gnomAD 0.0009%). This variant has not been reported in the literature in individuals affected with LYST-related conditions. ClinVar contains an entry for this variant (Variation ID: 1315096). Invitae Evidence Modeling of protein sequence and biophysical properties (such as structural, functional, and spatial information, amino acid conservation, physicochemical variation, residue mobility, and thermodynamic stability) indicates that this missense variant is not expected to disrupt LYST protein function with a negative predictive value of 80%. In summary, the available evidence is currently insufficient to determine the role of this variant in disease. Therefore, it has been classified as a Variant of Uncertain Significance.

GeneDx
Classification: Uncertain significance. Last evaluated: 2020-02-13. Review status: criteria provided, single submitter. Criteria: GeneDx Variant Classification Process June 2021. Collection method: clinical testing. Allele origin: germline. Affected: yes.
Comment: Not observed at a significant frequency in large population cohorts (Lek et al., 2016); In silico analysis supports that this missense variant has a deleterious effect on protein structure/function; Has not been previously published as pathogenic or benign to our knowledge

NM_000081.4(LYST):c.4288C>G (p.Arg1430Gly)

Gene: LYST (lysosomal trafficking regulator; minus strand). Cytogenetic location: 1q42.3.
Variant type: single nucleotide variant.
Coding change: c.4288C>G on transcript NM_000081.4 (MANE Select); coding-DNA position 4288, C replaced by G.
Protein change: p.Arg1430Gly; replaces arginine 1430 with glycine.
Molecular consequence: missense variant.
Genome position (GRCh38, 1-based): chr1:235,791,954, G>C on the plus strand (C>G on the coding strand, the complement: LYST is on the minus strand). VCF-style: chr1-235791954-G-C. GRCh37 (hg19) VCF-style: chr1-235955254-G-C.
Other names: c.4288C>G, p.Arg1430Gly (NM_001301365.1); short protein forms R1430G.
Identifiers: ClinVar variation 1315096 (VCV001315096.3), dbSNP rs1468055437, ClinGen allele CA344960041.
Genomic context (GRCh38, chr1:235,791,954, plus strand): 5'-ATGAAAGCAGCCGATGGGGAAAACTCTCTCTATCAGCCTCTTTCTTGCTCCGTGAAACTC[G>C]TGCTCTTCTCAATAAACCCATGGCCTTACTGTTTAAAATCCCAGGATACTTTTGTGATGA-3'
Protein context (NP_000072.2, residues 1420-1440): SKAMGLLRRA[Arg1430Gly]VSRSKKEADR